The following is an entry in ClinVar:

ClinVar aggregate classification (germline): Uncertain significance (1 of 4 stars; one submission).

Conditions:
Hereditary cancer-predisposing syndrome. Also called: Hereditary Cancer Syndrome; Hereditary neoplastic syndrome; Neoplastic Syndromes, Hereditary; Tumor predisposition. Identifiers: Orphanet 140162, MedGen C0027672, MeSH D009386, MONDO:0015356.

Allele frequency attached by ClinVar (database versions not stated): gnomAD 0.00001; gnomAD exomes 0.00001; TOPMed 0.00001.
gnomAD v4.1: 19 of 1,612,390 alleles (0.0012%); highest among the groups gnomAD compares: Non-Finnish European, 0.0015%; no homozygotes.

Submission:

Ambry Genetics
Classification: Uncertain significance for Hereditary cancer-predisposing syndrome. Last evaluated: 2024-06-30. Review status: criteria provided, single submitter. Criteria: Ambry Variant Classification Scheme 2023. Collection method: clinical testing. Allele origin: germline.
Comment: The p.E154Q variant (also known as c.460G>C), located in coding exon 4 of the EPCAM gene, results from a G to C substitution at nucleotide position 460. The glutamic acid at codon 154 is replaced by glutamine, an amino acid with highly similar properties. This amino acid position is conserved. In addition, this alteration is predicted to be tolerated by in silico analysis. Since supporting evidence is limited at this time, the clinical significance of this alteration remains unclear.

NM_002354.3(EPCAM):c.460G>C (p.Glu154Gln)

Gene: EPCAM (epithelial cell adhesion molecule; plus strand). Cytogenetic location: 2p21.
Variant type: single nucleotide variant.
Coding change: c.460G>C on transcript NM_002354.3 (MANE Select); coding-DNA position 460, G replaced by C.
Protein change: p.Glu154Gln; replaces glutamic acid 154 with glutamine.
Molecular consequence: missense variant.
Genome position (GRCh38, 1-based): chr2:47,375,268, G>C. VCF-style: chr2-47375268-G-C. GRCh37 (hg19) VCF-style: chr2-47602407-G-C.
Other names: short protein forms E154Q.
Identifiers: ClinVar variation 1741884 (VCV001741884.3), dbSNP rs1423442415, ClinGen allele CA346723601.